The following is an entry in ClinVar:

NM_138817.3(SLC7A13):c.538G>T (p.Val180Leu)

Gene: SLC7A13 (solute carrier family 7 member 13; minus strand). Cytogenetic location: 8q21.3.
Variant type: single nucleotide variant.
Coding change: c.538G>T on transcript NM_138817.3 (MANE Select); coding-DNA position 538, G replaced by T.
Protein change: p.Val180Leu; replaces valine 180 with leucine.
Molecular consequence: missense variant.
Genome position (GRCh38, 1-based): chr8:86,229,740, C>A on the plus strand (G>T on the coding strand, the complement: SLC7A13 is on the minus strand). VCF-style: chr8-86229740-C-A. GRCh37 (hg19) VCF-style: chr8-87241969-C-A.
Other names: short protein forms V180L.
Identifiers: ClinVar variation 3721407 (VCV003721407.2).

ClinVar aggregate classification (germline): Uncertain significance (1 of 4 stars; one submission).

gnomAD v4.1: 1 of 1,614,186 alleles (0.000062%); highest among the groups gnomAD compares: Non-Finnish European, 0.000085%; no homozygotes.

Submission:

Labcorp Genetics (formerly Invitae), Labcorp
Classification: Uncertain significance. Last evaluated: 2024-09-24. Review status: criteria provided, single submitter. Criteria: Invitae Variant Classification Sherloc (09022015). Collection method: clinical testing. Allele origin: germline.
Comment: This sequence change replaces valine, which is neutral and non-polar, with leucine, which is neutral and non-polar, at codon 180 of the SLC7A13 protein (p.Val180Leu). This variant is not present in population databases (gnomAD no frequency). This variant has not been reported in the literature in individuals affected with SLC7A13-related conditions. An algorithm developed to predict the effect of missense changes on protein structure and function (PolyPhen-2) suggests that this variant is likely to be disruptive. In summary, the available evidence is currently insufficient to determine the role of this variant in disease. Therefore, it has been classified as a Variant of Uncertain Significance.